The following is an entry in ClinVar:

NC_000006.11:g.(?_33131455)_(33139617_?)dup

Gene: COL11A2 (collagen type XI alpha 2 chain; minus strand). Cytogenetic location: 6p21.32.
Variant type: Duplication.
Identifiers: ClinVar variation 3246246 (VCV003246246.1).

ClinVar aggregate classification (germline): Uncertain significance (1 of 4 stars; one submission).

Submission:

Labcorp Genetics (formerly Invitae), Labcorp
Classification: Uncertain significance. Last evaluated: 2023-11-20. Review status: criteria provided, single submitter. Criteria: Invitae Variant Classification Sherloc (09022015). Collection method: clinical testing. Allele origin: unknown.
Comment: This variant results in a copy number gain of the genomic region encompassing exon(s) 42-66 of the COL11A2 gene. This region includes the termination codon of the gene. This copy number gain extends beyond the assayed region for this gene and therefore may encompass additional genes. As the precise location of this event is unknown, it may be in tandem or it may be located elsewhere in the genome. This variant has not been reported in the literature in individuals affected with COL11A2-related conditions. Experimental studies and prediction algorithms are not available or were not evaluated, and the functional significance of this variant is currently unknown. In summary, the available evidence is currently insufficient to determine the role of this variant in disease. Therefore, it has been classified as a Variant of Uncertain Significance.